The following is an entry in ClinVar:

NM_024685.4(BBS10):c.93C>T (p.Pro31=)

Gene: BBS10 (Bardet-Biedl syndrome 10; minus strand). Cytogenetic location: 12q21.2.
Variant type: single nucleotide variant.
Coding change: c.93C>T on transcript NM_024685.4 (MANE Select); coding-DNA position 93, C replaced by T.
Protein change: p.Pro31=; no amino-acid change (proline 31 retained).
Molecular consequence: synonymous variant.
Genome position (GRCh38, 1-based): chr12:76,348,266, G>A on the plus strand (C>T on the coding strand, the complement: BBS10 is on the minus strand). VCF-style: chr12-76348266-G-A. GRCh37 (hg19) VCF-style: chr12-76742046-G-A.
Other names: c.93C>T (NM_024685.3).
Identifiers: ClinVar variation 2184177 (VCV002184177.5), dbSNP rs369443774, ClinGen allele CA6694427.

ClinVar aggregate classification (germline): Likely benign. Review status: criteria provided, single submitter (1 of 4 stars). 2 submissions from 2 submitters: Likely benign (1). 1 of the submissions does not count toward it. Last evaluated 2023-12-18.

Conditions:
BBS10-related disorder. Also called: BBS10-related condition.
Bardet-Biedl syndrome (BBS). Identifiers: Orphanet 110, MedGen C0752166, MONDO:0015229.

Allele frequency attached by ClinVar (database versions not stated): ExAC 0.00001; ESP Exome Variant Server 0.00008.
gnomAD v4.1: 1 of 1,613,216 alleles (0.000062%); highest among the groups gnomAD compares: Non-Finnish European, 0.000085%; no homozygotes.

Submissions (2):

Labcorp Genetics (formerly Invitae), Labcorp
Classification: Likely benign for Bardet-Biedl syndrome. Last evaluated: 2023-12-18. Review status: criteria provided, single submitter. Criteria: Invitae Variant Classification Sherloc (09022015). Collection method: clinical testing. Allele origin: germline.

PreventionGenetics, part of Exact Sciences
Classification: Likely benign for BBS10-related condition. Last evaluated: 2023-07-13. Review status: no assertion criteria provided. Collection method: clinical testing. Allele origin: germline. Not counted in ClinVar's aggregate classification.
Comment: This variant is classified as likely benign based on ACMG/AMP sequence variant interpretation guidelines (Richards et al. 2015 PMID: 25741868, with internal and published modifications).